The following is an entry in ClinVar:

NM_000053.4(ATP7B):c.3931A>G (p.Ile1311Val)

Gene: ATP7B (ATPase copper transporting beta; minus strand). Cytogenetic location: 13q14.3.
Variant type: single nucleotide variant.
Coding change: c.3931A>G on transcript NM_000053.4 (MANE Select); coding-DNA position 3931, A replaced by G.
Protein change: p.Ile1311Val; replaces isoleucine 1311 with valine.
Molecular consequence: missense variant.
Genome position (GRCh38, 1-based): chr13:51,937,366, T>C on the plus strand (A>G on the coding strand, the complement: ATP7B is on the minus strand). VCF-style: chr13-51937366-T-C. GRCh37 (hg19) VCF-style: chr13-52511502-T-C.
Other names: c.3310A>G, p.Ile1104Val (NM_001005918.3); c.3835A>G, p.Ile1279Val (NM_001406518.1, NM_001406517.1); c.3796A>G, p.Ile1266Val (NM_001406519.1); c.3787A>G, p.Ile1263Val (NM_001406520.1, NM_001406521.1, NM_001406522.1); c.3748A>G, p.Ile1250Val (NM_001406523.1); c.3754A>G, p.Ile1252Val (NM_001406524.1); c.3736A>G, p.Ile1246Val (NM_001406525.1); c.3727A>G, p.Ile1243Val (NM_001406526.1); and 21 more; short protein forms I1030V, I1084V, I1095V, I1104V, I1117V, I1147V, I1149V, I1162V.
Identifiers: ClinVar variation 4887569 (VCV004887569.1).

ClinVar aggregate classification (germline): Uncertain significance (1 of 4 stars; one submission).

Submission:

Women's Health and Genetics/Laboratory Corporation of America, LabCorp
Classification: Uncertain significance. Last evaluated: 2026-06-02. Review status: criteria provided, single submitter. Criteria: LabCorp Variant Classification Summary - May 2015. Collection method: clinical testing. Allele origin: germline.
Comment: Variant summary: ATP7B c.3931A>G (p.Ile1311Val) results in a conservative amino acid change in the encoded protein sequence. Algorithms developed to predict the effect of missense changes on protein structure and function are either unavailable or do not agree on the potential impact of this missense change. The variant was absent in 249588 control chromosomes (gnomAD). The available data on variant occurrences in the general population are insufficient to allow any conclusion about variant significance. To our knowledge, no occurrence of c.3931A>G in individuals affected with ATP7B-related conditions and no experimental evidence demonstrating its impact on protein function have been reported. No submitters have cited clinical-significance assessments for this variant to ClinVar. Based on the evidence outlined above, the variant was classified as uncertain significance.